The following is an entry in ClinVar:

NM_001042492.3(NF1):c.1571A>T (p.Glu524Val)

Gene: NF1 (neurofibromin 1; plus strand). Cytogenetic location: 17q11.2.
Variant type: single nucleotide variant.
Coding change: c.1571A>T on transcript NM_001042492.3 (MANE Select); coding-DNA position 1571, A replaced by T.
Protein change: p.Glu524Val; replaces glutamic acid 524 with valine.
Molecular consequence: missense variant.
Genome position (GRCh38, 1-based): chr17:31,219,048, A>T. VCF-style: chr17-31219048-A-T. GRCh37 (hg19) VCF-style: chr17-29546066-A-T.
Other names: c.1571A>T, p.Glu524Val (NM_000267.4, NM_001128147.3); short protein forms E524V.
Identifiers: ClinVar variation 4800725 (VCV004800725.1).

ClinVar aggregate classification (germline): Uncertain significance (1 of 4 stars; one submission).

Conditions:
Neurofibromatosis, type 1 (NF1). Also called: VON RECKLINGHAUSEN DISEASE; Neurofibromatosis, type I; NEUROFIBROMATOSIS, TYPE I, SOMATIC; Peripheral type neurofibromatosis. Identifiers: Orphanet 636, MedGen C0027831, MONDO:0018975, OMIM 162200. Disease mechanism: loss of function.

Submission:

Labcorp Genetics (formerly Invitae), Labcorp
Classification: Uncertain significance for Neurofibromatosis, type 1. Last evaluated: 2025-07-02. Review status: criteria provided, single submitter. Criteria: Invitae Variant Classification Sherloc (09022015). Collection method: clinical testing. Allele origin: germline.
Comment: This sequence change replaces glutamic acid, which is acidic and polar, with valine, which is neutral and non-polar, at codon 524 of the NF1 protein (p.Glu524Val). This variant is not present in population databases (gnomAD no frequency). This variant has not been reported in the literature in individuals affected with NF1-related conditions. Invitae Evidence Modeling of protein sequence and biophysical properties (such as structural, functional, and spatial information, amino acid conservation, physicochemical variation, residue mobility, and thermodynamic stability) indicates that this missense variant is expected to disrupt NF1 protein function with a positive predictive value of 95%. In summary, the available evidence is currently insufficient to determine the role of this variant in disease. Therefore, it has been classified as a Variant of Uncertain Significance.